The following is an entry in ClinVar:

ClinVar aggregate classification (germline): Uncertain significance (1 of 4 stars; one submission).

Submission:

CeGaT Center for Human Genetics Tuebingen
Classification: Uncertain significance. Last evaluated: 2022-07-01. Review status: criteria provided, single submitter. Criteria: CeGaT Center For Human Genetics Tuebingen Variant Classification Criteria Version 2. Collection method: clinical testing. Allele origin: germline. Affected: yes. Observed: 1 variant allele.
Comment: F5: PM2, BP4

NM_000130.5(F5):c.3065A>C (p.Lys1022Thr)

Gene: F5 (coagulation factor V; minus strand). Cytogenetic location: 1q24.2.
Variant type: single nucleotide variant.
Coding change: c.3065A>C on transcript NM_000130.5 (MANE Select); coding-DNA position 3065, A replaced by C.
Protein change: p.Lys1022Thr; replaces lysine 1022 with threonine.
Molecular consequence: missense variant.
Genome position (GRCh38, 1-based): chr1:169,542,025, T>G on the plus strand (A>C on the coding strand, the complement: F5 is on the minus strand). VCF-style: chr1-169542025-T-G. GRCh37 (hg19) VCF-style: chr1-169511263-T-G.
Other names: short protein forms K1022T.
Identifiers: ClinVar variation 2639538 (VCV002639538.24), dbSNP rs1659868240, ClinGen allele CA343119361.